The following is an entry in ClinVar:

NM_002470.4(MYH3):c.2926-13_2926-12delinsAG

Gene: MYH3 (myosin heavy chain 3; minus strand). Cytogenetic location: 17p13.1.
Variant type: Indel.
Coding change: c.2926-13_2926-12delinsAG on transcript NM_002470.4 (MANE Select); 13 bases into the intron before coding-DNA position 2926 through 12 bases into the intron before coding-DNA position 2926, GA replaced by AG.
Molecular consequence: intron variant.
Genome position (GRCh38, 1-based): chr17:10,639,486-10,639,487, TC replaced by CT on the plus strand (GA replaced by AG on the coding strand, the reverse complement: MYH3 is on the minus strand). VCF-style: chr17-10639486-TC-CT. GRCh37 (hg19) VCF-style: chr17-10542803-TC-CT.
Identifiers: ClinVar variation 1968019 (VCV001968019.5), dbSNP rs2508598206, ClinGen allele CA2580092598.

ClinVar aggregate classification (germline): Uncertain significance (1 of 4 stars; one submission).

Submission:

Labcorp Genetics (formerly Invitae), Labcorp
Classification: Uncertain significance. Last evaluated: 2025-08-17. Review status: criteria provided, single submitter. Criteria: Invitae Variant Classification Sherloc (09022015). Collection method: clinical testing. Allele origin: germline.
Comment: This sequence change falls in intron 23 of the MYH3 gene. It does not directly change the encoded amino acid sequence of the MYH3 protein. Information on the frequency of this variant in the gnomAD database is not available, as this variant may be reported differently in the database. This variant has not been reported in the literature in individuals affected with MYH3-related conditions. ClinVar contains an entry for this variant (Variation ID: 1968019). Experimental studies and prediction algorithms are not available or were not evaluated, and the effect of this variant on mRNA splicing is currently unknown. In summary, the available evidence is currently insufficient to determine the role of this variant in disease. Therefore, it has been classified as a Variant of Uncertain Significance.